The following is an entry in ClinVar:

NM_007294.4(BRCA1):c.3120C>T (p.Ser1040=)

Gene: BRCA1 (BRCA1 DNA repair associated; minus strand). Cytogenetic location: 17q21.31.
Variant type: single nucleotide variant.
Coding change: c.3120C>T on transcript NM_007294.4 (MANE Select); coding-DNA position 3120, C replaced by T.
Protein change: p.Ser1040=; no amino-acid change (serine 1040 retained).
Molecular consequence: synonymous variant. On other transcripts: intron variant (137).
Genome position (GRCh38, 1-based): chr17:43,092,411, G>A on the plus strand (C>T on the coding strand, the complement: BRCA1 is on the minus strand). VCF-style: chr17-43092411-G-A. GRCh37 (hg19) VCF-style: chr17-41244428-G-A.
Other names: c.2910C>T, p.Ser970= (NM_001407881.1, NM_001407882.1, NM_001407884.1 and 13 more transcripts); c.2907C>T, p.Ser969= (NM_001407894.1, NM_001407895.1, NM_001407896.1 and 9 more transcripts); c.2997C>T, p.Ser999= (NM_001407919.1, NM_001407937.1, NM_001407938.1 and 19 more transcripts); c.2856C>T, p.Ser952= (NM_001407920.1, NM_001407921.1, NM_001407922.1 and 9 more transcripts); c.2853C>T, p.Ser951= (NM_001407930.1, NM_001407931.1, NM_001407932.1 and 2 more transcripts); c.2994C>T, p.Ser998= (NM_001407940.1, NM_001407941.1, NM_001407649.1 and 11 more transcripts); c.2979C>T, p.Ser993= (NM_001407942.1, NM_001407944.1, NM_001407945.1 and 29 more transcripts); c.2976C>T, p.Ser992= (NM_001407943.1, NM_001407964.1, NM_001407740.1 and 20 more transcripts); and 41 more.
Identifiers: ClinVar variation 421054 (VCV000421054.14), dbSNP rs1064794877, ClinGen allele CA16620430.

ClinVar aggregate classification (germline): Conflicting classifications of pathogenicity. Review status: criteria provided, conflicting classifications (1 of 4 stars). 4 submissions from 4 submitters: Uncertain significance (1); Likely benign (3). Last evaluated 2024-07-19.

Conditions:
Hereditary breast ovarian cancer syndrome. Also called: Hereditary breast and ovarian cancer syndrome (HBOC); BRCA1- and BRCA2-Associated Hereditary Breast and Ovarian Cancer; Hereditary breast and/or ovarian cancer syndrome; Hereditary breast and ovarian cancer syndrome; Hereditary breast and ovarian cancer; Breast and ovarian cancer. Identifiers: Orphanet 145, MedGen C0677776, MeSH D061325, MONDO:0003582. Disease mechanism: loss of function.
Hereditary cancer-predisposing syndrome. Also called: Neoplastic Syndromes, Hereditary; Hereditary neoplastic syndrome; Tumor predisposition; Hereditary Cancer Syndrome. Identifiers: Orphanet 140162, MedGen C0027672, MeSH D009386, MONDO:0015356.
Breast-ovarian cancer, familial, susceptibility to, 1 (BROVCA1). Also called: BRCA1 Hereditary Breast and Ovarian Cancer; OVARIAN CANCER, SUSCEPTIBILITY TO. Identifiers: Orphanet 145, MedGen C2676676, MONDO:0011450, OMIM 604370. Disease mechanism: loss of function.

Submissions (4):

Labcorp Genetics (formerly Invitae), Labcorp
Classification: Likely benign for Hereditary breast ovarian cancer syndrome. Last evaluated: 2024-07-19. Review status: criteria provided, single submitter. Criteria: Invitae Variant Classification Sherloc (09022015). Collection method: clinical testing. Allele origin: germline.

All of Us Research Program, National Institutes of Health
Classification: Likely benign for Breast-ovarian cancer, familial, susceptibility to, 1. Last evaluated: 2023-09-04. Review status: criteria provided, single submitter. Criteria: ACMG Guidelines, 2015. Collection method: clinical testing. Allele origin: germline. Inheritance: Autosomal dominant inheritance. Observed: 1 variant allele, 1 heterozygote.
Comment: This study involves interpretation of variants in research participants for the purpose of population health screening. Participant phenotype was not available at the time of variant classification. Additional details can be found in publication PMID: 35346344, PMCID: PMC8962531

Ambry Genetics
Classification: Likely benign for Hereditary cancer-predisposing syndrome. Last evaluated: 2019-12-06. Review status: criteria provided, single submitter. Criteria: Ambry Variant Classification Scheme 2023. Collection method: clinical testing. Allele origin: germline.

GeneDx
Classification: Uncertain significance. Last evaluated: 2016-04-29. Review status: criteria provided, single submitter. Criteria: GeneDx Variant Classification (06012015). Collection method: clinical testing. Allele origin: germline. Affected: yes.
Comment: This variant is denoted BRCA1 c.3120C>T at the DNA level. This variant is silent at the coding level, preserving a Serine at codon 1040. It is not predicted to cause abnormal splicing. This variant has not, to our knowledge, been published in the literature as being pathogenic or benign. BRCA1 c.3120C>T was not observed in approximately 6,500 individuals of European and African American ancestry in the NHLBI Exome Sequencing Project, indicating it is not a common benign variant in these populations.The nucleotide which is altered, a cytosine (C) at base 3120, is conserved in mammals. Based on currently available information, it is unclear whether BRCA1 c.3120C>T is a pathogenic or benign variant. We consider it to be a variant of uncertain significance.